The following is an entry in ClinVar:

NM_014822.4(SEC24D):c.653C>G (p.Ala218Gly)

Gene: SEC24D (SEC24 homolog D, COPII component; minus strand). Cytogenetic location: 4q26.
Variant type: single nucleotide variant.
Coding change: c.653C>G on transcript NM_014822.4 (MANE Select); coding-DNA position 653, C replaced by G.
Protein change: p.Ala218Gly; replaces alanine 218 with glycine.
Molecular consequence: missense variant.
Genome position (GRCh38, 1-based): chr4:118,815,471, G>C on the plus strand (C>G on the coding strand, the complement: SEC24D is on the minus strand). VCF-style: chr4-118815471-G-C. GRCh37 (hg19) VCF-style: chr4-119736626-G-C.
Other names: p.Ala218Gly; c.653C>G, p.Ala218Gly (NM_001318066.2); short protein forms A218G.
Identifiers: ClinVar variation 771145 (VCV000771145.15), dbSNP rs35392900, ClinGen allele CA3057493.

ClinVar aggregate classification (germline): Benign/Likely benign. Review status: criteria provided, multiple submitters, no conflicts (2 of 4 stars). 7 submissions from 7 submitters: Benign (3); Likely benign (2). 2 of the submissions do not count toward it. Last evaluated 2026-02-02.

Conditions:
Cole-Carpenter syndrome 2 (CLCRP2). Identifiers: Orphanet 2050, MedGen C4225382, MONDO:0014573, OMIM 616294.

Allele frequency attached by ClinVar (database versions not stated): 1000 Genomes Project 30x 0.00359; 1000 Genomes Project 0.00379; gnomAD 0.00928 and 0.00940; ExAC 0.00973; gnomAD exomes 0.00991; TOPMed 0.01019; ESP Exome Variant Server 0.01030.
gnomAD v4.1: 21,905 of 1,614,084 alleles (1.4%); highest among the groups gnomAD compares: Middle Eastern, 3.9%; 192 homozygotes.

Submissions 1 to 32 of 54:

Labcorp Genetics (formerly Invitae), Labcorp
Classification: Benign. Last evaluated: 2026-02-02. Review status: criteria provided, single submitter. Criteria: Invitae Variant Classification Sherloc (09022015). Collection method: clinical testing. Allele origin: germline.

Mayo Clinic Laboratories, Mayo Clinic
Classification: Benign. Last evaluated: 2023-10-31. Review status: criteria provided, single submitter. Criteria: ACMG Guidelines, 2015. Collection method: clinical testing. Allele origin: germline. Observed: 5 variant alleles.
Comment: BS1, BS2, BP4

ARUP Laboratories, Molecular Genetics and Genomics, ARUP Laboratories
Classification: Benign for Cole-Carpenter syndrome 2. Last evaluated: 2023-10-16. Review status: criteria provided, single submitter. Criteria: ARUP Molecular Germline Variant Investigation Process 2024. Collection method: clinical testing. Allele origin: germline.

GeneDx
Classification: Likely benign. Last evaluated: 2021-03-21. Review status: criteria provided, single submitter. Criteria: GeneDx Variant Classification Process June 2021. Collection method: clinical testing. Allele origin: germline. Affected: yes.

Breakthrough Genomics
Classification: Likely benign. Review status: criteria provided, single submitter. Criteria: ACMG Guidelines, 2015. Collection method: not provided. Allele origin: germline. Inheritance: Autosomal recessive inheritance. Affected: yes.

Dr. Peter K. Rogan Lab, Western University
No classification provided (evidence only). Condition: Clear cell carcinoma of kidney. Review status: no classification provided. Collection method: in vitro. Allele origin: not applicable. Functional consequence: retained intron. Not counted in ClinVar's aggregate classification.

Dr. Peter K. Rogan Lab, Western University
No classification provided (evidence only). Condition: Clear cell carcinoma of kidney. Review status: no classification provided. Collection method: in vitro. Allele origin: not applicable. Functional consequence: skipped exon. Not counted in ClinVar's aggregate classification.

Dr. Peter K. Rogan Lab, Western University
No classification provided (evidence only). Condition: Clear cell carcinoma of kidney. Review status: no classification provided. Collection method: in vitro. Allele origin: not applicable. Functional consequence: skipped exon. Not counted in ClinVar's aggregate classification.

Dr. Peter K. Rogan Lab, Western University
No classification provided (evidence only). Condition: Lung cancer. Review status: no classification provided. Collection method: in vitro. Allele origin: not applicable. Functional consequence: skipped exon. Not counted in ClinVar's aggregate classification.

Dr. Peter K. Rogan Lab, Western University
No classification provided (evidence only). Condition: Lung cancer. Review status: no classification provided. Collection method: in vitro. Allele origin: not applicable. Functional consequence: skipped exon, retained intron. Not counted in ClinVar's aggregate classification.

Dr. Peter K. Rogan Lab, Western University
No classification provided (evidence only). Condition: Lung cancer. Review status: no classification provided. Collection method: in vitro. Allele origin: not applicable. Functional consequence: retained intron. Not counted in ClinVar's aggregate classification.

Dr. Peter K. Rogan Lab, Western University
No classification provided (evidence only). Condition: Lung cancer. Review status: no classification provided. Collection method: in vitro. Allele origin: not applicable. Functional consequence: skipped exon. Not counted in ClinVar's aggregate classification.

Dr. Peter K. Rogan Lab, Western University
No classification provided (evidence only). Condition: Lung cancer. Review status: no classification provided. Collection method: in vitro. Allele origin: not applicable. Functional consequence: retained intron. Not counted in ClinVar's aggregate classification.

Dr. Peter K. Rogan Lab, Western University
No classification provided (evidence only). Condition: Lung cancer. Review status: no classification provided. Collection method: in vitro. Allele origin: not applicable. Functional consequence: skipped exon. Not counted in ClinVar's aggregate classification.

Dr. Peter K. Rogan Lab, Western University
No classification provided (evidence only). Condition: Melanoma. Review status: no classification provided. Collection method: in vitro. Allele origin: not applicable. Functional consequence: skipped exon. Not counted in ClinVar's aggregate classification.

Dr. Peter K. Rogan Lab, Western University
No classification provided (evidence only). Condition: Melanoma. Review status: no classification provided. Collection method: in vitro. Allele origin: not applicable. Functional consequence: skipped exon, retained intron. Not counted in ClinVar's aggregate classification.

Dr. Peter K. Rogan Lab, Western University
No classification provided (evidence only). Condition: Acute myeloid leukemia. Review status: no classification provided. Collection method: in vitro. Allele origin: not applicable. Functional consequence: skipped exon, retained intron. Not counted in ClinVar's aggregate classification.

Dr. Peter K. Rogan Lab, Western University
No classification provided (evidence only). Condition: Acute myeloid leukemia. Review status: no classification provided. Collection method: in vitro. Allele origin: not applicable. Functional consequence: retained intron. Not counted in ClinVar's aggregate classification.

Dr. Peter K. Rogan Lab, Western University
No classification provided (evidence only). Condition: Acute myeloid leukemia. Review status: no classification provided. Collection method: in vitro. Allele origin: not applicable. Functional consequence: retained intron. Not counted in ClinVar's aggregate classification.

Dr. Peter K. Rogan Lab, Western University
No classification provided (evidence only). Condition: Acute myeloid leukemia. Review status: no classification provided. Collection method: in vitro. Allele origin: not applicable. Functional consequence: skipped exon. Not counted in ClinVar's aggregate classification.

Dr. Peter K. Rogan Lab, Western University
No classification provided (evidence only). Condition: Colon adenocarcinoma. Review status: no classification provided. Collection method: in vitro. Allele origin: not applicable. Functional consequence: retained intron. Not counted in ClinVar's aggregate classification.

Dr. Peter K. Rogan Lab, Western University
No classification provided (evidence only). Condition: Colon adenocarcinoma. Review status: no classification provided. Collection method: in vitro. Allele origin: not applicable. Functional consequence: skipped exon, retained intron. Not counted in ClinVar's aggregate classification.

Dr. Peter K. Rogan Lab, Western University
No classification provided (evidence only). Condition: Colorectal cancer. Review status: no classification provided. Collection method: in vitro. Allele origin: not applicable. Functional consequence: retained intron. Not counted in ClinVar's aggregate classification.

Dr. Peter K. Rogan Lab, Western University
No classification provided (evidence only). Condition: Colorectal cancer. Review status: no classification provided. Collection method: in vitro. Allele origin: not applicable. Functional consequence: retained intron. Not counted in ClinVar's aggregate classification.

Dr. Peter K. Rogan Lab, Western University
No classification provided (evidence only). Condition: Thyroid cancer, nonmedullary, 1. Review status: no classification provided. Collection method: in vitro. Allele origin: not applicable. Functional consequence: retained intron. Not counted in ClinVar's aggregate classification.

Dr. Peter K. Rogan Lab, Western University
No classification provided (evidence only). Condition: Thyroid cancer, nonmedullary, 1. Review status: no classification provided. Collection method: in vitro. Allele origin: not applicable. Functional consequence: retained intron. Not counted in ClinVar's aggregate classification.

Dr. Peter K. Rogan Lab, Western University
No classification provided (evidence only). Condition: Thyroid cancer, nonmedullary, 1. Review status: no classification provided. Collection method: in vitro. Allele origin: not applicable. Functional consequence: retained intron. Not counted in ClinVar's aggregate classification.

Dr. Peter K. Rogan Lab, Western University
No classification provided (evidence only). Condition: Thyroid cancer, nonmedullary, 1. Review status: no classification provided. Collection method: in vitro. Allele origin: not applicable. Functional consequence: retained intron. Not counted in ClinVar's aggregate classification.

Dr. Peter K. Rogan Lab, Western University
No classification provided (evidence only). Condition: Thyroid cancer, nonmedullary, 1. Review status: no classification provided. Collection method: in vitro. Allele origin: not applicable. Functional consequence: skipped exon, retained intron. Not counted in ClinVar's aggregate classification.

Dr. Peter K. Rogan Lab, Western University
No classification provided (evidence only). Condition: Thyroid cancer, nonmedullary, 1. Review status: no classification provided. Collection method: in vitro. Allele origin: not applicable. Functional consequence: skipped exon, retained intron. Not counted in ClinVar's aggregate classification.

Dr. Peter K. Rogan Lab, Western University
No classification provided (evidence only). Condition: Thyroid cancer, nonmedullary, 1. Review status: no classification provided. Collection method: in vitro. Allele origin: not applicable. Functional consequence: retained intron. Not counted in ClinVar's aggregate classification.

Dr. Peter K. Rogan Lab, Western University
No classification provided (evidence only). Condition: Thyroid cancer, nonmedullary, 1. Review status: no classification provided. Collection method: in vitro. Allele origin: not applicable. Functional consequence: skipped exon, retained intron. Not counted in ClinVar's aggregate classification.